The following is an entry in ClinVar:

NM_080680.3(COL11A2):c.1654C>A (p.Pro552Thr)

Gene: COL11A2 (collagen type XI alpha 2 chain; minus strand). Cytogenetic location: 6p21.32.
Variant type: single nucleotide variant.
Coding change: c.1654C>A on transcript NM_080680.3 (MANE Select); coding-DNA position 1654, C replaced by A.
Protein change: p.Pro552Thr; replaces proline 552 with threonine.
Molecular consequence: missense variant.
Genome position (GRCh38, 1-based): chr6:33,178,931, G>T on the plus strand (C>A on the coding strand, the complement: COL11A2 is on the minus strand). VCF-style: chr6-33178931-G-T. GRCh37 (hg19) VCF-style: chr6-33146708-G-T.
Other names: c.1474C>A, p.Pro492Thr (NM_001424108.1); c.808C>A, p.Pro270Thr (NM_001424109.1); c.628C>A, p.Pro210Thr (NM_001424110.1, NM_001424111.1); c.1333C>A, p.Pro445Thr (NM_080679.3); c.1396C>A, p.Pro466Thr (NM_080681.3); short protein forms P210T, P270T, P445T, P466T, P492T, P552T.
Identifiers: ClinVar variation 3624720 (VCV003624720.2).
Genomic context (GRCh38, chr6:33,178,931, plus strand): 5'-AGCGTGGGCTGAAGGCTACAGGCTTCAGGGAGGGGCCCAAGCCTGTTACCTTCACTCCAG[G>T]ATCTCCAGGCATCCCTCGGGCTCCATCAGCACCTGCCCGGCCCTGGGAGAACAAGGGAAG-3'
Protein context (NP_542411.2, residues 542-562): ADGARGMPGD[Pro552Thr]GVKGDRGFDG

ClinVar aggregate classification (germline): Uncertain significance (1 of 4 stars; one submission).

Submission:

Labcorp Genetics (formerly Invitae), Labcorp
Classification: Uncertain significance. Last evaluated: 2024-03-26. Review status: criteria provided, single submitter. Criteria: Invitae Variant Classification Sherloc (09022015). Collection method: clinical testing. Allele origin: germline.
Comment: This sequence change replaces proline, which is neutral and non-polar, with threonine, which is neutral and polar, at codon 552 of the COL11A2 protein (p.Pro552Thr). This variant is not present in population databases (gnomAD no frequency). This variant has not been reported in the literature in individuals affected with COL11A2-related conditions. Advanced modeling of protein sequence and biophysical properties (such as structural, functional, and spatial information, amino acid conservation, physicochemical variation, residue mobility, and thermodynamic stability) performed at Invitae indicates that this missense variant is not expected to disrupt COL11A2 protein function with a negative predictive value of 95%. In summary, the available evidence is currently insufficient to determine the role of this variant in disease. Therefore, it has been classified as a Variant of Uncertain Significance.